The following is an entry in ClinVar:

ClinVar aggregate classification (germline): Pathogenic. Review status: reviewed by expert panel (3 of 4 stars). 2 submissions from 2 submitters: Pathogenic (1). 1 of the submissions does not count toward it. Last evaluated 2017-12-15.

Conditions:
Breast-ovarian cancer, familial, susceptibility to, 1 (BROVCA1). Also called: OVARIAN CANCER, SUSCEPTIBILITY TO; BRCA1 Hereditary Breast and Ovarian Cancer. Identifiers: Orphanet 145, MedGen C2676676, MONDO:0011450, OMIM 604370. Disease mechanism: loss of function.
Familial cancer of breast. Also called: Hereditary breast cancer; hereditary breast carcinoma; BREAST CANCER, FAMILIAL. Identifiers: Orphanet 227535, MedGen C0346153, MONDO:0016419, OMIM 114480. Disease mechanism: loss of function.

Submissions (2):

Evidence-based Network for the Interpretation of Germline Mutant Alleles (ENIGMA)
Classification: Pathogenic for Breast-ovarian cancer, familial, susceptibility to, 1. Last evaluated: 2017-12-15. Review status: reviewed by expert panel. Criteria: ENIGMA BRCA1/2 Classification Criteria (2017-06-29). Collection method: curation. Allele origin: germline. Study: ENIGMA.
Comment: Variant allele predicted to encode a truncated non-functional protein.

ClinVar Staff, National Center for Biotechnology Information (NCBI)
No classification provided. Condition: Familial cancer of breast. Review status: no classification provided. Collection method: literature only. Allele origin: germline. Affected: yes. Not counted in ClinVar's aggregate classification.

Literature cited by the submitters: PubMed 21614564 (cited by ClinVar Staff, National Center for Biotechnology Information (NCBI)).

NM_007294.4(BRCA1):c.1660G>T (p.Glu554Ter)

Gene: BRCA1 (BRCA1 DNA repair associated; minus strand). Cytogenetic location: 17q21.31.
Variant type: single nucleotide variant.
Coding change: c.1660G>T on transcript NM_007294.4 (MANE Select); coding-DNA position 1660, G replaced by T.
Protein change: p.Glu554Ter; replaces glutamic acid 554 with a stop codon.
Molecular consequence: nonsense. On other transcripts: intron variant (137).
Genome position (GRCh38, 1-based): chr17:43,093,871, C>A on the plus strand (G>T on the coding strand, the complement: BRCA1 is on the minus strand). VCF-style: chr17-43093871-C-A. GRCh37 (hg19) VCF-style: chr17-41245888-C-A.
Other names: c.1537G>T, p.Glu513Ter (NM_001407679.1, NM_001407680.1, NM_001407681.1 and 19 more transcripts); c.1660G>T, p.Glu554Ter (NM_001407684.1, NM_001407854.1, NM_001407858.1 and 30 more transcripts); c.1534G>T, p.Glu512Ter (NM_001407685.1, NM_001407686.1, NM_001407687.1 and 11 more transcripts); c.1519G>T, p.Glu507Ter (NM_001407692.1, NM_001407694.1, NM_001407695.1 and 29 more transcripts); c.1516G>T, p.Glu506Ter (NM_001407740.1, NM_001407741.1, NM_001407742.1 and 20 more transcripts); c.1447G>T, p.Glu483Ter (NM_001407853.1, NM_001407894.1, NM_001407895.1 and 9 more transcripts); c.1657G>T, p.Glu553Ter (NM_001407860.1, NM_001407861.1, NM_001407587.1 and 22 more transcripts); c.1459G>T, p.Glu487Ter (NM_001407862.1); and 40 more; short protein forms E554*, E507*, E258*, E426*, E512*, E527*, E551*, E427*.
Identifiers: ClinVar variation 54320 (VCV000054320.3), dbSNP rs397508894, ClinGen allele CA001096.
Genomic context (GRCh38, chr17:43,093,871, plus strand): 5'-GTGATTCTATTGGGTTAGGATTTTTCTCATTCTGAATAGAATCACCTTTTGTTTTATTCT[C>A]ATGACCACTATTAGTAATATTCATCACTTGACCATTCTGCTCCGTTTGGTTAGTTCCCTG-3'